The following is an entry in ClinVar:

NM_000038.6(APC):c.5128A>G (p.Ile1710Val)

Gene: APC (APC regulator of Wnt signaling pathway; plus strand). Cytogenetic location: 5q22.2.
Variant type: single nucleotide variant.
Coding change: c.5128A>G on transcript NM_000038.6 (MANE Select); coding-DNA position 5128, A replaced by G.
Protein change: p.Ile1710Val; replaces isoleucine 1710 with valine.
Molecular consequence: missense variant.
Genome position (GRCh38, 1-based): chr5:112,840,722, A>G. VCF-style: chr5-112840722-A-G. GRCh37 (hg19) VCF-style: chr5-112176419-A-G.
Other names: c.5128A>G, p.Ile1710Val (NM_001127510.3, NM_001354895.2); c.5074A>G, p.Ile1692Val (NM_001127511.3); c.5182A>G, p.Ile1728Val (NM_001354896.2); c.5158A>G, p.Ile1720Val (NM_001354897.2); c.5053A>G, p.Ile1685Val (NM_001354898.2); c.5044A>G, p.Ile1682Val (NM_001354899.2); c.5005A>G, p.Ile1669Val (NM_001354900.2); c.4951A>G, p.Ile1651Val (NM_001354901.2); and 5 more; short protein forms I1692V, I1710V, I1550V, I1619V, I1651V, I1584V, I1685V, I1427V.
Identifiers: ClinVar variation 537500 (VCV000537500.15), dbSNP rs1554086465, ClinGen allele CA16032537.
Genomic context (GRCh38, chr5:112,840,722, plus strand): 5'-ATTCCTACAGAAGGCAGAAGTACAGATGAGGCTCAAGGAGGAAAAACCTCATCTGTAACC[A>G]TACCTGAATTGGATGACAATAAAGCAGAGGAAGGTGATATTCTTGCAGAATGCATTAATT-3'
Protein context (NP_000029.2, residues 1700-1720): AQGGKTSSVT[Ile1710Val]PELDDNKAEE

ClinVar aggregate classification (germline): Uncertain significance. Review status: criteria provided, multiple submitters, no conflicts (2 of 4 stars). 2 submissions from 2 submitters: Uncertain significance (2). Last evaluated 2026-01-24.

Conditions:
Hereditary cancer-predisposing syndrome. Also called: Tumor predisposition; Hereditary Cancer Syndrome; Hereditary neoplastic syndrome; Neoplastic Syndromes, Hereditary. Identifiers: Orphanet 140162, MedGen C0027672, MeSH D009386, MONDO:0015356.
Familial adenomatous polyposis 1 (FAP1). Also called: FAMILIAL ADENOMATOUS POLYPOSIS 1, ATTENUATED; POLYPOSIS, ADENOMATOUS INTESTINAL. Identifiers: MedGen C2713442, MONDO:0021056, OMIM 175100. Disease mechanism: loss of function.

Allele frequency attached by ClinVar (database versions not stated): gnomAD exomes below 0.00001.
gnomAD v4.1: 3 of 1,614,174 alleles (0.00019%); highest among the groups gnomAD compares: Non-Finnish European, 0.00025%; no homozygotes.

Submissions (2):

Labcorp Genetics (formerly Invitae), Labcorp
Classification: Uncertain significance for Familial adenomatous polyposis 1. Last evaluated: 2026-01-24. Review status: criteria provided, single submitter. Criteria: Invitae Variant Classification Sherloc (09022015). Collection method: clinical testing. Allele origin: germline.
Comment: This sequence change replaces isoleucine, which is neutral and non-polar, with valine, which is neutral and non-polar, at codon 1710 of the APC protein (p.Ile1710Val). This variant is not present in population databases (gnomAD no frequency). This variant has not been reported in the literature in individuals affected with APC-related conditions. ClinVar contains an entry for this variant (Variation ID: 537500). Invitae Evidence Modeling of protein sequence and biophysical properties (such as structural, functional, and spatial information, amino acid conservation, physicochemical variation, residue mobility, and thermodynamic stability) indicates that this missense variant is not expected to disrupt APC protein function with a negative predictive value of 95%. In summary, the available evidence is currently insufficient to determine the role of this variant in disease. Therefore, it has been classified as a Variant of Uncertain Significance.

Ambry Genetics
Classification: Uncertain significance for Hereditary cancer-predisposing syndrome. Last evaluated: 2023-06-27. Review status: criteria provided, single submitter. Criteria: Ambry Variant Classification Scheme 2023. Collection method: clinical testing. Allele origin: germline.
Comment: The p.I1710V variant (also known as c.5128A>G), located in coding exon 15 of the APC gene, results from an A to G substitution at nucleotide position 5128. The isoleucine at codon 1710 is replaced by valine, an amino acid with highly similar properties. This amino acid position is poorly conserved in available vertebrate species. In addition, in silico predictors for this gene do not accurately predict pathogenicity. Since supporting evidence is limited at this time, the clinical significance of this alteration remains unclear.